The following is an entry in ClinVar:

ClinVar aggregate classification (germline): Uncertain significance (1 of 4 stars; one submission).

Conditions:
Actin accumulation myopathy (CMYO2A). Also called: Myopathy, actin, congenital, with cores; Nemaline myopathy 3, with intranuclear rods; Nemaline myopathy type 3; Myopathy, actin, congenital, with excess of thin myofilaments; CONGENITAL MYOPATHY 2A, TYPICAL, AUTOSOMAL DOMINANT. Identifiers: Orphanet 98904, MedGen C3711389, MONDO:0008070, OMIM 161800.

Allele frequency attached by ClinVar (database versions not stated): gnomAD exomes below 0.00001.
gnomAD v4.1: 2 of 1,613,984 alleles (0.00012%); highest among the groups gnomAD compares: Non-Finnish European, 0.00017%; no homozygotes.

Submission:

Labcorp Genetics (formerly Invitae), Labcorp
Classification: Uncertain significance for Actin accumulation myopathy. Last evaluated: 2022-12-09. Review status: criteria provided, single submitter. Criteria: Invitae Variant Classification Sherloc (09022015). Collection method: clinical testing. Allele origin: germline.
Comment: This sequence change replaces glycine, which is neutral and non-polar, with serine, which is neutral and polar, at codon 345 of the ACTA1 protein (p.Gly345Ser). This variant is not present in population databases (gnomAD no frequency). This variant has not been reported in the literature in individuals affected with ACTA1-related conditions. Advanced modeling of protein sequence and biophysical properties (such as structural, functional, and spatial information, amino acid conservation, physicochemical variation, residue mobility, and thermodynamic stability) has been performed at Invitae for this missense variant, however the output from this modeling did not meet the statistical confidence thresholds required to predict the impact of this variant on ACTA1 protein function. In summary, the available evidence is currently insufficient to determine the role of this variant in disease. Therefore, it has been classified as a Variant of Uncertain Significance.

NM_001100.4(ACTA1):c.1033G>A (p.Gly345Ser)

Gene: ACTA1 (actin alpha 1, skeletal muscle; minus strand). Cytogenetic location: 1q42.13.
Variant type: single nucleotide variant.
Coding change: c.1033G>A on transcript NM_001100.4 (MANE Select); coding-DNA position 1033, G replaced by A.
Protein change: p.Gly345Ser; replaces glycine 345 with serine.
Molecular consequence: missense variant.
Genome position (GRCh38, 1-based): chr1:229,431,600, C>T on the plus strand (G>A on the coding strand, the complement: ACTA1 is on the minus strand). VCF-style: chr1-229431600-C-T. GRCh37 (hg19) VCF-style: chr1-229567347-C-T.
Other names: short protein forms G345S.
Identifiers: ClinVar variation 2819676 (VCV002819676.3), dbSNP rs2527435573, ClinGen allele CA345144718.